The following is an entry in ClinVar:

ClinVar aggregate classification (germline): Uncertain significance. Review status: criteria provided, multiple submitters, no conflicts (2 of 4 stars). 2 submissions from 2 submitters: Uncertain significance (2). Last evaluated 2023-10-27.

Conditions:
Inborn genetic diseases. Identifiers: MedGen C0950123, MeSH D030342.

Allele frequency attached by ClinVar (database versions not stated): gnomAD exomes 0.00001 and 0.00003; ExAC 0.00003; TOPMed 0.00005; gnomAD 0.00009; ESP Exome Variant Server 0.00015.

Submissions (2):

Ambry Genetics
Classification: Uncertain significance for Inborn genetic diseases. Last evaluated: 2023-10-27. Review status: criteria provided, single submitter. Criteria: Ambry Variant Classification Scheme 2023. Collection method: clinical testing. Allele origin: germline.

Labcorp Genetics (formerly Invitae), Labcorp
Classification: Uncertain significance. Last evaluated: 2022-08-10. Review status: criteria provided, single submitter. Criteria: Invitae Variant Classification Sherloc (09022015). Collection method: clinical testing. Allele origin: germline.
Comment: ClinVar contains an entry for this variant (Variation ID: 1507777). In summary, the available evidence is currently insufficient to determine the role of this variant in disease. Therefore, it has been classified as a Variant of Uncertain Significance. Algorithms developed to predict the effect of missense changes on protein structure and function are either unavailable or do not agree on the potential impact of this missense change (SIFT: "Not Available"; PolyPhen-2: "Benign"; Align-GVGD: "Not Available"). This variant has not been reported in the literature in individuals affected with GZF1-related conditions. This variant is present in population databases (rs146915050, gnomAD 0.01%). This sequence change replaces serine, which is neutral and polar, with leucine, which is neutral and non-polar, at codon 595 of the GZF1 protein (p.Ser595Leu).

NM_022482.5(GZF1):c.1784C>T (p.Ser595Leu)

Gene: GZF1 (GDNF inducible zinc finger protein 1; plus strand). Cytogenetic location: 20p11.21.
Variant type: single nucleotide variant.
Coding change: c.1784C>T on transcript NM_022482.5 (MANE Select); coding-DNA position 1784, C replaced by T.
Protein change: p.Ser595Leu; replaces serine 595 with leucine.
Molecular consequence: missense variant.
Genome position (GRCh38, 1-based): chr20:23,369,740, C>T. VCF-style: chr20-23369740-C-T. GRCh37 (hg19) VCF-style: chr20-23350377-C-T.
Other names: c.1784C>T, p.Ser595Leu (NM_001317012.2, NM_001317019.1); c.1784C>T (NM_022482.3); short protein forms S595L.
Identifiers: ClinVar variation 1507777 (VCV001507777.6), dbSNP rs146915050, ClinGen allele CA9788800.